The following is an entry in ClinVar:

ClinVar aggregate classification (germline): Uncertain significance (1 of 4 stars; one submission).

Conditions:
Neuronopathy, distal hereditary motor, type 2D. Also called: HMN IID; SPINAL MUSCULAR ATROPHY, DISTAL, AUTOSOMAL DOMINANT, CALF-PREDOMINANT; NEURONOPATHY, DISTAL HEREDITARY MOTOR, AUTOSOMAL DOMINANT 6; NEURONOPATHY, DISTAL HEREDITARY MOTOR, HARDING TYPE IID; NEUROPATHY, DISTAL HEREDITARY MOTOR, HARDING TYPE IID. Identifiers: Orphanet 139525, MedGen C3888271, MONDO:0014259, OMIM 615575.

Allele frequency attached by ClinVar (database versions not stated): gnomAD exomes below 0.00001; TOPMed below 0.00001.
gnomAD v4.1: 1 of 1,610,588 alleles (0.000062%); highest among the groups gnomAD compares: Non-Finnish European, 0.000085%; no homozygotes.

Submission:

MGZ Medical Genetics Center
Classification: Uncertain significance for Neuronopathy, distal hereditary motor, type 2D. Last evaluated: 2022-02-18. Review status: criteria provided, single submitter. Criteria: ACMG Guidelines, 2015. Collection method: clinical testing. Allele origin: germline. Affected: yes. Observed: 1 variant allele.
Comment: ACMG criteria applied: PM2_SUP, BP4

NM_205836.3(FBXO38):c.801A>T (p.Leu267Phe)

Gene: FBXO38 (F-box protein 38; plus strand). Cytogenetic location: 5q32.
Variant type: single nucleotide variant.
Coding change: c.801A>T on transcript NM_205836.3 (MANE Select); coding-DNA position 801, A replaced by T.
Protein change: p.Leu267Phe; replaces leucine 267 with phenylalanine.
Molecular consequence: missense variant.
Genome position (GRCh38, 1-based): chr5:148,406,327, A>T. VCF-style: chr5-148406327-A-T. GRCh37 (hg19) VCF-style: chr5-147785890-A-T.
Other names: c.801A>T, p.Leu267Phe (NM_001271723.2, NM_030793.5); short protein forms L267F.
Identifiers: ClinVar variation 1709150 (VCV001709150.2), dbSNP rs1752444147, ClinGen allele CA361656444.
Genomic context (GRCh38, chr5:148,406,327, plus strand): 5'-TTCCTTGAAATATGTCCCTTTAGTAACAGGCTTAGCCTCTGCCCGAAACTTGGAACACTT[A>T]GAAATGGTTCGAGTTCCTTTCCTTGGAGGTCTTATCCAACATGTTGTTGAAGACAGTTGG-3'
Protein context (NP_995308.1, residues 257-277): GLASARNLEH[Leu267Phe]EMVRVPFLGG